The following is an entry in ClinVar:

NM_012415.3(RAD54B):c.1546G>A (p.Ala516Thr)

Gene: RAD54B (RAD54 homolog B; minus strand). Cytogenetic location: 8q22.1.
Variant type: single nucleotide variant.
Coding change: c.1546G>A on transcript NM_012415.3 (MANE Select); coding-DNA position 1546, G replaced by A.
Protein change: p.Ala516Thr; replaces alanine 516 with threonine.
Molecular consequence: missense variant.
Genome position (GRCh38, 1-based): chr8:94,391,872, C>T on the plus strand (G>A on the coding strand, the complement: RAD54B is on the minus strand). VCF-style: chr8-94391872-C-T. GRCh37 (hg19) VCF-style: chr8-95404100-C-T.
Other names: c.994G>A, p.Ala332Thr (NM_001205263.2); short protein forms A332T, A516T.
Identifiers: ClinVar variation 2658693 (VCV002658693.24), dbSNP rs115960331, ClinGen allele CA4810232.

ClinVar aggregate classification (germline): Benign (1 of 4 stars; one submission).

Allele frequency attached by ClinVar (database versions not stated): gnomAD exomes 0.00012; ExAC 0.00040; gnomAD 0.00098; TOPMed 0.00120; ESP Exome Variant Server 0.00138; 1000 Genomes Project 0.00220; 1000 Genomes Project 30x 0.00250.
gnomAD v4.1: 330 of 1,611,170 alleles (0.02%); highest among the groups gnomAD compares: African/African-American, 0.32%; no homozygotes.

Submission:

CeGaT Center for Human Genetics Tuebingen
Classification: Benign. Last evaluated: 2025-11-01. Review status: criteria provided, single submitter. Criteria: CeGaT Center For Human Genetics Tuebingen Variant Classification Criteria Version 2. Collection method: clinical testing. Allele origin: germline. Affected: yes. Observed: 2 variant alleles.
Comment: RAD54B: BS1, BS2